The following is an entry in ClinVar:

NM_018896.5(CACNA1G):c.6414del (p.Asp2139fs)

Gene: CACNA1G (calcium voltage-gated channel subunit alpha1 G; plus strand). Cytogenetic location: 17q21.33.
Variant type: Deletion.
Coding change: c.6414del on transcript NM_018896.5 (MANE Select); coding-DNA position 6414, one base deleted (T; older notation c.6414delT).
Protein change: p.Asp2139fs; shifts the reading frame from aspartic acid 2139.
Molecular consequence: frameshift variant. On other transcripts: non-coding transcript variant (5).
Genome position (GRCh38, 1-based): chr17:50,626,031, T deleted. VCF-style (leftmost placement, unchanged base first): chr17-50626030-CT-C. GRCh37 (hg19) VCF-style: chr17-48703391-CT-C.
Other names: c.6225del, p.Asp2076fs (NM_001256324.2); c.6156del, p.Asp2053fs (NM_001256325.2); c.6144del, p.Asp2049fs (NM_001256326.2); c.6114del, p.Asp2039fs (NM_001256327.2); c.6060del, p.Asp2021fs (NM_001256328.2); c.6033del, p.Asp2012fs (NM_001256329.2, NM_198376.3, NM_198387.3); c.6000del, p.Asp2001fs (NM_001256330.2); c.5979del, p.Asp1994fs (NM_001256331.2); and 15 more; short protein forms D1989fs, D1994fs, D2001fs, D2005fs, D2008fs, D2010fs, D2012fs, D2019fs.
Identifiers: ClinVar variation 4975171 (VCV004975171.1).

ClinVar aggregate classification (germline): Uncertain significance (1 of 4 stars; one submission).

Submission:

GeneDx
Classification: Uncertain significance. Last evaluated: 2026-01-27. Review status: criteria provided, single submitter. Criteria: GeneDx Variant Classification Process June 2021. Collection method: clinical testing. Allele origin: germline.
Comment: Not observed at significant frequency in large population cohorts (gnomAD); Frameshift variant predicted to result in abnormal protein length as the last 239 amino acid(s) are replaced with 17 different amino acid(s); Has not been previously published as pathogenic or benign to our knowledge